The following is an entry in ClinVar:

ClinVar aggregate classification (germline): Conflicting classifications of pathogenicity. Review status: criteria provided, conflicting classifications (1 of 4 stars). 2 submissions from 2 submitters: Uncertain significance (1); Likely benign (1). Last evaluated 2020-06-01.

Conditions:
Fanconi anemia complementation group C (FANCC). Also called: FANCC-Related Fanconi Anemia; Fanconi anemia, group C; FANCONI PANCYTOPENIA, TYPE 3; FACC. Identifiers: Orphanet 84, MedGen C3468041, MONDO:0009213, OMIM 227645.

Allele frequency attached by ClinVar (database versions not stated): ExAC 0.00001; gnomAD exomes 0.00001 and 0.00004; TOPMed 0.00003; gnomAD 0.00004.
gnomAD v4.1: 27 of 1,613,396 alleles (0.0017%); highest among the groups gnomAD compares: African/African-American, 0.008%; no homozygotes.

Submissions (2):

Department of Pathology and Laboratory Medicine, Sinai Health System
Classification: Uncertain significance for Fanconi anemia complementation group C. Last evaluated: 2020-06-01. Review status: criteria provided, single submitter. Criteria: ACMG Guidelines, 2015. Collection method: clinical testing. Allele origin: germline. Affected: yes.

GeneDx
Classification: Likely benign. Last evaluated: 2017-06-08. Review status: criteria provided, single submitter. Criteria: GeneDx Variant Classification (06012015). Collection method: clinical testing. Allele origin: germline. Affected: yes.
Comment: This variant is considered likely benign or benign based on one or more of the following criteria: it is a conservative change, it occurs at a poorly conserved position in the protein, it is predicted to be benign by multiple in silico algorithms, and/or has population frequency not consistent with disease.

NM_000136.3(FANCC):c.*14C>T

Genes: FANCC (FA complementation group C; minus strand), AOPEP (aminopeptidase O (putative); plus strand). Cytogenetic location: 9q22.32.
Variant type: single nucleotide variant.
Coding change: c.*14C>T on transcript NM_000136.3 (MANE Select); 14 bases downstream of the stop codon, C replaced by T.
Molecular consequence: 3 prime UTR variant.
Genome position (GRCh38, 1-based): chr9:95,101,693, G>A on the plus strand (C>T on the coding strand, the complement: FANCC is on the minus strand). VCF-style: chr9-95101693-G-A. GRCh37 (hg19) VCF-style: chr9-97863975-G-A.
Other names: c.*14C>T (NM_001243743.2).
Identifiers: ClinVar variation 387109 (VCV000387109.2), dbSNP rs760413505, ClinGen allele CA5137279.
Genomic context (GRCh38, chr9:95,101,693, plus strand): 5'-CAGGTCATCACCTGTCCTGTGGCCCTGGCGAGCCTGATCCCTCACGCCGGGCACCCACAC[G>A]GCCTGCGTGCCTTCTAGACTTGAGTTCGCAGCTCTTTAAGGAGCTCTCGGGCCAGTTTTT-3'